The following is an entry in ClinVar:

NM_000038.6(APC):c.3754T>G (p.Ser1252Ala)

Gene: APC (APC regulator of Wnt signaling pathway; plus strand). Cytogenetic location: 5q22.2.
Variant type: single nucleotide variant.
Coding change: c.3754T>G on transcript NM_000038.6 (MANE Select); coding-DNA position 3754, T replaced by G.
Protein change: p.Ser1252Ala; replaces serine 1252 with alanine.
Molecular consequence: missense variant.
Genome position (GRCh38, 1-based): chr5:112,839,348, T>G. VCF-style: chr5-112839348-T-G. GRCh37 (hg19) VCF-style: chr5-112175045-T-G.
Other names: c.3808T>G, p.Ser1270Ala (NM_001354896.2); c.3784T>G, p.Ser1262Ala (NM_001354897.2); c.3679T>G, p.Ser1227Ala (NM_001354898.2); c.3670T>G, p.Ser1224Ala (NM_001354899.2); c.3631T>G, p.Ser1211Ala (NM_001354900.2); c.3577T>G, p.Ser1193Ala (NM_001354901.2); c.3481T>G, p.Ser1161Ala (NM_001354902.2); c.3451T>G, p.Ser1151Ala (NM_001354903.2); and 5 more; short protein forms S1252A, S1234A, S1092A, S1211A, S1262A, S969A, S1126A, S1151A.
Identifiers: ClinVar variation 629151 (VCV000629151.5), dbSNP rs1561587386, ClinGen allele CA16029568.

ClinVar aggregate classification (germline): Uncertain significance (1 of 4 stars; one submission).

Conditions:
Hereditary cancer-predisposing syndrome. Also called: Neoplastic Syndromes, Hereditary; Tumor predisposition; Hereditary neoplastic syndrome; Hereditary Cancer Syndrome. Identifiers: Orphanet 140162, MedGen C0027672, MeSH D009386, MONDO:0015356.

Submission:

Color Diagnostics, LLC DBA Color Health
Classification: Uncertain significance for Hereditary cancer-predisposing syndrome. Last evaluated: 2023-12-05. Review status: criteria provided, single submitter. Criteria: ACMG Guidelines, 2015. Collection method: clinical testing. Allele origin: germline.
Comment: This missense variant replaces serine with alanine at codon 1252 of the APC protein. Computational prediction suggests that this variant may not impact protein structure and function (internally defined REVEL score threshold <= 0.5, PMID: 27666373). To our knowledge, functional studies have not been reported for this variant. This variant has not been reported in individuals affected with APC-related disorders in the literature. This variant has not been identified in the general population by the Genome Aggregation Database (gnomAD). The available evidence is insufficient to determine the role of this variant in disease conclusively. Therefore, this variant is classified as a Variant of Uncertain Significance.